The following is an entry in ClinVar:

ClinVar aggregate classification (germline): Uncertain significance. Review status: criteria provided, multiple submitters, no conflicts (2 of 4 stars). 3 submissions from 3 submitters: Uncertain significance (3). Last evaluated 2023-10-19.

Conditions:
LAMA2-related muscular dystrophy (LAMA2-RD). Also called: Laminin alpha 2-related dystrophy. Identifiers: MedGen C5679788, MONDO:0100228.

Allele frequency attached by ClinVar (database versions not stated): TOPMed below 0.00001; gnomAD 0.00001; gnomAD exomes 0.00001.
gnomAD v4.1: 6 of 1,611,106 alleles (0.00037%); highest among the groups gnomAD compares: Non-Finnish European, 0.00051%; no homozygotes.

Submissions (3):

Blueprint Genetics
Classification: Uncertain significance. Last evaluated: 2023-10-19. Review status: criteria provided, single submitter. Criteria: ACMG Guidelines, 2015. Collection method: clinical testing. Allele origin: germline.

Labcorp Genetics (formerly Invitae), Labcorp
Classification: Uncertain significance for LAMA2-related muscular dystrophy. Last evaluated: 2021-09-24. Review status: criteria provided, single submitter. Criteria: Invitae Variant Classification Sherloc (09022015). Collection method: clinical testing. Allele origin: germline.
Comment: This sequence change replaces lysine with arginine at codon 2399 of the LAMA2 protein (p.Lys2399Arg). The lysine residue is moderately conserved and there is a small physicochemical difference between lysine and arginine. This variant is not present in population databases (ExAC no frequency). This variant has not been reported in the literature in individuals with LAMA2-related conditions. Advanced modeling of protein sequence and biophysical properties (such as structural, functional, and spatial information, amino acid conservation, physicochemical variation, residue mobility, and thermodynamic stability) performed at Invitae indicates that this missense variant is not expected to disrupt LAMA2 protein function. In summary, the available evidence is currently insufficient to determine the role of this variant in disease. Therefore, it has been classified as a Variant of Uncertain Significance.

Revvity Omics, Revvity
Classification: Uncertain significance. Last evaluated: 2020-08-18. Review status: criteria provided, single submitter. Criteria: ACMG Guidelines, 2015. Collection method: clinical testing. Allele origin: germline.

NM_000426.4(LAMA2):c.7196A>G (p.Lys2399Arg)

Gene: LAMA2 (laminin subunit alpha 2; plus strand). Cytogenetic location: 6q22.33.
Variant type: single nucleotide variant.
Coding change: c.7196A>G on transcript NM_000426.4 (MANE Select); coding-DNA position 7196, A replaced by G.
Protein change: p.Lys2399Arg; replaces lysine 2399 with arginine.
Molecular consequence: missense variant.
Genome position (GRCh38, 1-based): chr6:129,465,185, A>G. VCF-style: chr6-129465185-A-G. GRCh37 (hg19) VCF-style: chr6-129786330-A-G.
Other names: c.7196A>G (NM_000426.3); c.7196A>G, p.Lys2399Arg (NM_001079823.2); short protein forms K2399R.
Identifiers: ClinVar variation 1460865 (VCV001460865.8), dbSNP rs1454380679, ClinGen allele CA365621598.